The following is an entry in ClinVar:

NM_001100.4(ACTA1):c.128A>G (p.Gln43Arg)

Gene: ACTA1 (actin alpha 1, skeletal muscle; minus strand). Cytogenetic location: 1q42.13.
Variant type: single nucleotide variant.
Coding change: c.128A>G on transcript NM_001100.4 (MANE Select); coding-DNA position 128, A replaced by G.
Protein change: p.Gln43Arg; replaces glutamine 43 with arginine.
Molecular consequence: missense variant.
Genome position (GRCh38, 1-based): chr1:229,432,988, T>C on the plus strand (A>G on the coding strand, the complement: ACTA1 is on the minus strand). VCF-style: chr1-229432988-T-C. GRCh37 (hg19) VCF-style: chr1-229568735-T-C.
Other names: short protein forms Q43R.
Identifiers: ClinVar variation 844831 (VCV000844831.1), dbSNP rs1659984269, ClinGen allele CA345151212.

ClinVar aggregate classification (germline): Pathogenic (1 of 4 stars; one submission).

Conditions:
Actin accumulation myopathy (CMYO2A). Also called: Myopathy, actin, congenital, with cores; Nemaline myopathy 3, with intranuclear rods; CONGENITAL MYOPATHY 2A, TYPICAL, AUTOSOMAL DOMINANT; Nemaline myopathy type 3; Myopathy, actin, congenital, with excess of thin myofilaments. Identifiers: Orphanet 98904, MedGen C3711389, MONDO:0008070, OMIM 161800.

Submission:

Labcorp Genetics (formerly Invitae), Labcorp
Classification: Pathogenic for Actin accumulation myopathy. Last evaluated: 2019-03-26. Review status: criteria provided, single submitter. Criteria: Invitae Variant Classification Sherloc (09022015). Collection method: clinical testing. Allele origin: germline.
Comment: This sequence change replaces glutamine with arginine at codon 43 of the ACTA1 protein (p.Gln43Arg). The glutamine residue is highly conserved and there is a small physicochemical difference between glutamine and arginine. This variant is not present in population databases (ExAC no frequency). This variant has been observed to be de novo in individuals affected with autosomal dominant nemaline myopathy. This variant has also been observed in an individual affected with congenital myopathy and type 1 fiber preponderance on muscle biopsy (PMID: 11525890, 26172852, 28357410). This variant is also known as Q41R in the literature. Algorithms developed to predict the effect of missense changes on protein structure and function are either unavailable or do not agree on the potential impact of this missense change (SIFT: "Deleterious"; PolyPhen-2: "Possibly Damaging"; Align-GVGD: "Class C0"). Algorithms developed to predict the effect of sequence changes on RNA splicing suggest that this variant may disrupt the consensus splice site, but this prediction has not been confirmed by published transcriptional studies. For these reasons, this variant has been classified as Pathogenic.

Literature cited by the submitters: PubMed 26172852; PubMed 28357410; PubMed 11525890.